The following is an entry in ClinVar:

NM_001281740.3(FHOD3):c.4189C>T (p.Arg1397Ter)

Gene: FHOD3 (formin homology 2 domain containing 3; plus strand). Cytogenetic location: 18q12.2.
Variant type: single nucleotide variant.
Coding change: c.4189C>T on transcript NM_001281740.3 (MANE Select); coding-DNA position 4189, C replaced by T.
Protein change: p.Arg1397Ter; replaces arginine 1397 with a stop codon.
Molecular consequence: nonsense.
Genome position (GRCh38, 1-based): chr18:36,747,092, C>T. VCF-style: chr18-36747092-C-T. GRCh37 (hg19) VCF-style: chr18-34327055-C-T.
Other names: c.3613C>T, p.Arg1205Ter (NM_001281739.3); c.3664C>T, p.Arg1222Ter (NM_025135.5); short protein forms R1205*, R1222*, R1397*.
Identifiers: ClinVar variation 4071739 (VCV004071739.1).

ClinVar aggregate classification (germline): Uncertain significance (1 of 4 stars; one submission).

gnomAD v4.1: 6 of 1,612,424 alleles (0.00037%); highest among the groups gnomAD compares: Non-Finnish European, 0.00051%; no homozygotes.

Submission:

GeneDx
Classification: Uncertain significance. Last evaluated: 2025-01-24. Review status: criteria provided, single submitter. Criteria: GeneDx Variant Classification Process June 2021. Collection method: clinical testing. Allele origin: germline. Affected: yes.
Comment: Nonsense variant predicted to result in protein truncation or nonsense mediated decay in a gene or region of a gene for which loss of function is not a well-established mechanism of disease; Not observed at significant frequency in large population cohorts (gnomAD); Has not been previously published as pathogenic or benign to our knowledge